The following is an entry in ClinVar:

NM_004369.4(COL6A3):c.5668G>A (p.Val1890Met)

Gene: COL6A3 (collagen type VI alpha 3 chain; minus strand). Cytogenetic location: 2q37.3.
Variant type: single nucleotide variant.
Coding change: c.5668G>A on transcript NM_004369.4 (MANE Select); coding-DNA position 5668, G replaced by A.
Protein change: p.Val1890Met; replaces valine 1890 with methionine.
Molecular consequence: missense variant.
Genome position (GRCh38, 1-based): chr2:237,365,868, C>T on the plus strand (G>A on the coding strand, the complement: COL6A3 is on the minus strand). VCF-style: chr2-237365868-C-T. GRCh37 (hg19) VCF-style: chr2-238274511-C-T.
Other names: c.3847G>A, p.Val1283Met (NM_057166.5); c.5050G>A, p.Val1684Met (NM_057167.4); short protein forms V1283M, V1890M, V1684M.
Identifiers: ClinVar variation 2140359 (VCV002140359.4), dbSNP rs975131811, ClinGen allele CA67813581.

ClinVar aggregate classification (germline): Uncertain significance (1 of 4 stars; one submission).

Conditions:
Bethlem myopathy 1A. Also called: Bethlem Muscular Dystrophy; Bethlem myopathy 1; MYOPATHY, BENIGN CONGENITAL, WITH CONTRACTURES. Identifiers: Orphanet 610, MedGen CN029274, MONDO:0024530, OMIM 158810.

Submission:

Labcorp Genetics (formerly Invitae), Labcorp
Classification: Uncertain significance for Bethlem myopathy 1A. Last evaluated: 2023-06-10. Review status: criteria provided, single submitter. Criteria: Invitae Variant Classification Sherloc (09022015). Collection method: clinical testing. Allele origin: germline.
Comment: In summary, the available evidence is currently insufficient to determine the role of this variant in disease. Therefore, it has been classified as a Variant of Uncertain Significance. Advanced modeling of protein sequence and biophysical properties (such as structural, functional, and spatial information, amino acid conservation, physicochemical variation, residue mobility, and thermodynamic stability) performed at Invitae indicates that this missense variant is not expected to disrupt COL6A3 protein function. ClinVar contains an entry for this variant (Variation ID: 2140359). This variant has not been reported in the literature in individuals affected with COL6A3-related conditions. This variant is not present in population databases (gnomAD no frequency). This sequence change replaces valine, which is neutral and non-polar, with methionine, which is neutral and non-polar, at codon 1890 of the COL6A3 protein (p.Val1890Met).